The following is an entry in ClinVar:

ClinVar aggregate classification (germline): Pathogenic. Review status: criteria provided, multiple submitters, no conflicts (2 of 4 stars). 3 submissions from 3 submitters: Pathogenic (3). Last evaluated 2026-09-08.

Conditions:
Fabry disease. Also called: Fabry's disease; Angiokeratoma corporis diffusum; GLA DEFICIENCY; HEREDITARY DYSTOPIC LIPIDOSIS; ALPHA-GALACTOSIDASE A DEFICIENCY; ANDERSON-FABRY DISEASE. Identifiers: Orphanet 324, MedGen C0002986, MONDO:0010526, OMIM 301500, HP:0001071. Disease mechanism: loss of function, Fabry disease is due to inactivating mutations in the X-linked GLA gene resulting in deficiency of the enzyme Alpha Galactosidase-A..

Submissions (3):

Genomenon, Inc
Classification: Pathogenic for Fabry disease. Last evaluated: 2026-09-08. Review status: criteria provided, single submitter. Criteria: Genomenon Sequence Variant Interpretation Standards - Updated. Collection method: curation. Allele origin: germline. Affected: yes.
Comment: GLA p.Ile359MetfsTer32 (c.1077del) is a frameshift variant that is predicted to introduce a premature termination codon and result in a truncated or absent protein product. This variant has been observed in at least one proband with clinical features consistent with Fabry disease (PMID:20505683;9100224;35873439). Functional or patient cell studies have been reported (PMID:20505683). It is absent or not present at a significant frequency in gnomAD. In conclusion, we classify GLA p.Ile359MetfsTer32 (c.1077del) as a pathogenic variant.

Revvity Omics, Revvity
Classification: Pathogenic. Last evaluated: 2022-05-25. Review status: criteria provided, single submitter. Criteria: ACMG Guidelines, 2015. Collection method: clinical testing. Allele origin: germline.

Eurofins Ntd Llc (ga)
Classification: Pathogenic. Last evaluated: 2018-07-27. Review status: criteria provided, single submitter. Criteria: EGL ClinVar v180209 classification definitions. Collection method: clinical testing. Allele origin: germline.

Literature cited by the submitters: PubMed 20505683 (cited by Genomenon, Inc); PubMed 9100224 (cited by Genomenon, Inc and Eurofins Ntd Llc (ga)); PubMed 35873439 (cited by Genomenon, Inc); PubMed 19287194 (cited by Eurofins Ntd Llc (ga)).

NM_000169.3(GLA):c.1077del (p.Ile359fs)

Genes: GLA (galactosidase alpha; minus strand), RPL36A-HNRNPH2 (RPL36A-HNRNPH2 readthrough; plus strand). Cytogenetic location: Xq22.1.
Variant type: Deletion.
Coding change: c.1077del on transcript NM_000169.3 (MANE Select); coding-DNA position 1077, one base deleted (T; older notation c.1077delT).
Protein change: p.Ile359fs; shifts the reading frame from isoleucine 359.
Molecular consequence: frameshift variant. On other transcripts: non-coding transcript variant (3), intron variant (2).
Genome position (GRCh38, 1-based): chrX:101,398,022, A deleted on the plus strand (T on the coding strand, the reverse complement: GLA is on the minus strand); the first of 2 consecutive A bases (chrX:101,398,022-101,398,023); deleting either gives the same sequence. VCF-style (leftmost placement, unchanged base first): chrX-101398021-CA-C. GRCh37 (hg19) VCF-style: chrX-100653009-CA-C.
Other names: c.1076delT, p.Ile359Metfs (NM_000169.2); c.1200del, p.Ile400fs (NM_001406747.1); c.300+2566del (NM_001199973.2); c.177+6201del (NM_001199974.2); short protein forms I359fs, I400fs.
Identifiers: ClinVar variation 598175 (VCV000598175.9), dbSNP rs1569302692, ClinGen allele CA913190973.